The following is an entry in ClinVar:

ClinVar aggregate classification (germline): Uncertain significance. Review status: criteria provided, multiple submitters, no conflicts (2 of 4 stars). 2 submissions from 2 submitters: Uncertain significance (2). Last evaluated 2025-03-15.

Conditions:
Baller-Gerold syndrome (BGS). Also called: CRANIOSYNOSTOSIS WITH RADIAL DEFECTS. Identifiers: Orphanet 1225, MedGen C0265308, MONDO:0009039, OMIM 218600.
Inborn genetic diseases. Identifiers: MedGen C0950123, MeSH D030342.

Submissions (2):

Ambry Genetics
Classification: Uncertain significance for Inborn genetic diseases. Last evaluated: 2025-03-15. Review status: criteria provided, single submitter. Criteria: Ambry Variant Classification Scheme 2023. Collection method: clinical testing. Allele origin: germline.
Comment: The p.S325C variant (also known as c.974C>G), located in coding exon 5 of the RECQL4 gene, results from a C to G substitution at nucleotide position 974. The serine at codon 325 is replaced by cysteine, an amino acid with dissimilar properties. This amino acid position is conserved. In addition, this alteration is predicted to be tolerated by in silico analysis. Based on the available evidence, the clinical significance of this variant remains unclear.

Labcorp Genetics (formerly Invitae), Labcorp
Classification: Uncertain significance for Baller-Gerold syndrome. Last evaluated: 2018-09-06. Review status: criteria provided, single submitter. Criteria: Invitae Variant Classification Sherloc (09022015). Collection method: clinical testing. Allele origin: germline.
Comment: This variant has not been reported in the literature in individuals with RECQL4-related disease. This sequence change replaces serine with cysteine at codon 325 of the RECQL4 protein (p.Ser325Cys). The serine residue is moderately conserved and there is a moderate physicochemical difference between serine and cysteine. This variant is not present in population databases (ExAC no frequency). Algorithms developed to predict the effect of missense changes on protein structure and function are either unavailable or do not agree on the potential impact of this missense change (SIFT: "Deleterious"; PolyPhen-2: "Probably Damaging"; Align-GVGD: "Class C0"). In summary, the available evidence is currently insufficient to determine the role of this variant in disease. Therefore, it has been classified as a Variant of Uncertain Significance.

NM_004260.4(RECQL4):c.974C>G (p.Ser325Cys)

Gene: RECQL4 (RecQ like helicase 4; minus strand). Cytogenetic location: 8q24.3.
Variant type: single nucleotide variant.
Coding change: c.974C>G on transcript NM_004260.4 (MANE Select); coding-DNA position 974, C replaced by G.
Protein change: p.Ser325Cys; replaces serine 325 with cysteine.
Molecular consequence: missense variant.
Genome position (GRCh38, 1-based): chr8:144,516,145, G>C on the plus strand (C>G on the coding strand, the complement: RECQL4 is on the minus strand). VCF-style: chr8-144516145-G-C. GRCh37 (hg19) VCF-style: chr8-145741529-G-C.
Other names: short protein forms S325C.
Identifiers: ClinVar variation 642540 (VCV000642540.5), dbSNP rs1441068518, ClinGen allele CA372688471.
Genomic context (GRCh38, chr8:144,516,145, plus strand): 5'-AGCCGAGGGAAGATGTGCAGGGGGGCTGTGCCCTCAGCCTTCCCAGCCCTAGCTTGACTG[G>C]AGGGGCTGAGTCCGTGGTACCTGGGGTTCGATGGGCTGCTGCAGGGCTGAGGTGGCTGTG-3'
Protein context (NP_004251.4, residues 315-335): SNPRYHGLSP[Ser325Cys]SQARAGKAEG